The following is an entry in ClinVar:

ClinVar aggregate classification (germline): Uncertain significance. Review status: criteria provided, multiple submitters, no conflicts (2 of 4 stars). 3 submissions from 3 submitters: Uncertain significance (3). Last evaluated 2023-06-07.

Conditions:
Inborn genetic diseases. Identifiers: MedGen C0950123, MeSH D030342.
Congenital disorder of glycosylation, type Iaa. Also called: Congenital disorder of glycosylation, type 1aa. Identifiers: MedGen C4310727, MONDO:0014904, OMIM 617082.

Submissions (3):

Ambry Genetics
Classification: Uncertain significance for Inborn genetic diseases. Last evaluated: 2023-06-07. Review status: criteria provided, single submitter. Criteria: Ambry Variant Classification Scheme 2023. Collection method: clinical testing. Allele origin: germline.

Labcorp Genetics (formerly Invitae), Labcorp
Classification: Uncertain significance for Congenital disorder of glycosylation, type Iaa. Last evaluated: 2021-07-02. Review status: criteria provided, single submitter. Criteria: Invitae Variant Classification Sherloc (09022015). Collection method: clinical testing. Allele origin: germline.
Comment: In summary, the available evidence is currently insufficient to determine the role of this variant in disease. Therefore, it has been classified as a Variant of Uncertain Significance. Algorithms developed to predict the effect of missense changes on protein structure and function (SIFT, PolyPhen-2, Align-GVGD) all suggest that this variant is likely to be tolerated. This variant has not been reported in the literature in individuals affected with NUS1-related conditions. This variant is not present in population databases (ExAC no frequency). This sequence change replaces arginine with isoleucine at codon 217 of the NUS1 protein (p.Arg217Ile). The arginine residue is moderately conserved and there is a moderate physicochemical difference between arginine and isoleucine.

GeneDx
Classification: Uncertain significance. Last evaluated: 2019-07-18. Review status: criteria provided, single submitter. Criteria: GeneDx Variant Classification Process June 2021. Collection method: clinical testing. Allele origin: germline. Affected: yes.
Comment: Not observed in large population cohorts (Lek et al., 2016); In silico analysis, which includes protein predictors and evolutionary conservation, supports a deleterious effect; Has not been previously published as pathogenic or benign to our knowledge

NM_138459.5(NUS1):c.650G>T (p.Arg217Ile)

Gene: NUS1 (NUS1 dehydrodolichyl diphosphate synthase subunit; plus strand). Cytogenetic location: 6q22.1.
Variant type: single nucleotide variant.
Coding change: c.650G>T on transcript NM_138459.5 (MANE Select); coding-DNA position 650, G replaced by T.
Protein change: p.Arg217Ile; replaces arginine 217 with isoleucine.
Molecular consequence: missense variant.
Genome position (GRCh38, 1-based): chr6:117,694,139, G>T. VCF-style: chr6-117694139-G-T. GRCh37 (hg19) VCF-style: chr6-118015302-G-T.
Other names: short protein forms R217I.
Identifiers: ClinVar variation 1302676 (VCV001302676.13), dbSNP rs375663235, ClinGen allele CA365537140.